The following is an entry in ClinVar:

ClinVar aggregate classification (germline): Uncertain significance (1 of 4 stars; one submission).

Submission:

Labcorp Genetics (formerly Invitae), Labcorp
Classification: Uncertain significance. Last evaluated: 2023-02-18. Review status: criteria provided, single submitter. Criteria: Invitae Variant Classification Sherloc (09022015). Collection method: clinical testing. Allele origin: germline.
Comment: In summary, the available evidence is currently insufficient to determine the role of this variant in disease. Therefore, it has been classified as a Variant of Uncertain Significance. Advanced modeling of protein sequence and biophysical properties (such as structural, functional, and spatial information, amino acid conservation, physicochemical variation, residue mobility, and thermodynamic stability) performed at Invitae indicates that this missense variant is not expected to disrupt CDH23 protein function. This variant has not been reported in the literature in individuals affected with CDH23-related conditions. This variant is not present in population databases (gnomAD no frequency). This sequence change replaces arginine, which is basic and polar, with glycine, which is neutral and non-polar, at codon 2935 of the CDH23 protein (p.Arg2935Gly).

NM_022124.6(CDH23):c.8803C>G (p.Arg2935Gly)

Gene: CDH23 (cadherin related 23; plus strand). Cytogenetic location: 10q22.1.
Variant type: single nucleotide variant.
Coding change: c.8803C>G on transcript NM_022124.6 (MANE Select); coding-DNA position 8803, C replaced by G.
Protein change: p.Arg2935Gly; replaces arginine 2935 with glycine.
Molecular consequence: missense variant.
Genome position (GRCh38, 1-based): chr10:71,809,900, C>G. VCF-style: chr10-71809900-C-G. GRCh37 (hg19) VCF-style: chr10-73569657-C-G.
Other names: c.2083C>G, p.Arg695Gly (NM_001171933.1, NM_001171934.1); short protein forms R695G, R2935G.
Identifiers: ClinVar variation 2821196 (VCV002821196.3), dbSNP rs1190307769, ClinGen allele CA377133253.
Genomic context (GRCh38, chr10:71,809,900, plus strand): 5'-CGCACCTTCGACCTCTTCATGGCCTACAGCCCCGGCTACTTCGTGGTGGACATTGTGGCC[C>G]GAGACCTGGCAGGCCACAACGACACGGCCATCATCGGCATCTACATCCTGAGGGACGACC-3'
Protein context (NP_071407.4, residues 2925-2945): PGYFVVDIVA[Arg2935Gly]DLAGHNDTAI